The following is an entry in ClinVar:

GRCh38/hg38 Xq28(chrX:154904963-155331063)x1

Genes: BRCC3 (BRCA1/BRCA2-containing complex subunit 3; plus strand), CLIC2 (CLIC family member 2; minus strand), CMC4 (C-X9-C motif containing 4; minus strand), F8 (coagulation factor VIII; minus strand), FUNDC2 (FUN14 domain containing 2; plus strand) and 16 more. Cytogenetic location: Xq28.
Variant type: copy number loss.
Change: copy number 1 of chrX:154,904,963-155,331,063 (426.1 kb, GRCh38 coordinates, 1-based), cytogenetic band Xq28.
Identifiers: ClinVar variation 147895 (VCV000147895.3).

ClinVar aggregate classification (germline): no classifications from unflagged records (0 of 4 stars; one submission).

Submission:

ISCA site 8
Classification: Uncertain significance. Last evaluated: 2017-09-19. Review status: flagged submission. Collection method: clinical testing. Allele origin: unknown. Affected: yes. Observed: 1 variant allele.
Comment: However, it is unknown which region of which X chromosome is activated or inactivated. And this gene may be associated with Waisman syndrome, with no solid evidence (OMIM). In summary, we interpret this variant as VUS.

Copy number variation identified through the course of routine clinical cytogenomic testing in postnatal populations, with clinical assertions as classified by the original submitter.
ClinVar note: Notes: This submission was flagged because its interpretation of this variant conflicts with the ClinGen Gene Dosage Map curation for the gene RAB39B.
ClinVar note: Reason: Conflict with ClinGen Gene Dosage Map